The following is an entry in ClinVar:

ClinVar aggregate classification (germline): Likely benign. Review status: criteria provided, multiple submitters, no conflicts (2 of 4 stars). 3 submissions from 3 submitters: Likely benign (3). Last evaluated 2025-10-14.

Allele frequency attached by ClinVar (database versions not stated): TOPMed below 0.00001; gnomAD 0.00001 and 0.00002; gnomAD exomes 0.00002; ExAC 0.00003; ESP Exome Variant Server 0.00008.

Submissions (3):

Labcorp Genetics (formerly Invitae), Labcorp
Classification: Likely benign. Last evaluated: 2025-10-14. Review status: criteria provided, single submitter. Criteria: Invitae Variant Classification Sherloc (09022015). Collection method: clinical testing. Allele origin: germline.

Mayo Clinic Laboratories, Mayo Clinic
Classification: Likely benign. Last evaluated: 2025-04-10. Review status: criteria provided, single submitter. Criteria: ACMG Guidelines, 2015. Collection method: clinical testing. Allele origin: germline. Observed: 1 variant allele.
Comment: BP4, BP7

Blueprint Genetics
Classification: Likely benign. Last evaluated: 2021-05-11. Review status: criteria provided, single submitter. Criteria: ACMG Guidelines, 2015. Collection method: clinical testing. Allele origin: germline.

NM_007103.4(NDUFV1):c.927C>T (p.Gly309=)

Gene: NDUFV1 (NADH:ubiquinone oxidoreductase core subunit V1; plus strand). Cytogenetic location: 11q13.2.
Variant type: single nucleotide variant.
Coding change: c.927C>T on transcript NM_007103.4 (MANE Select); coding-DNA position 927, C replaced by T.
Protein change: p.Gly309=; no amino-acid change (glycine 309 retained).
Molecular consequence: synonymous variant.
Genome position (GRCh38, 1-based): chr11:67,611,416, C>T. VCF-style: chr11-67611416-C-T. GRCh37 (hg19) VCF-style: chr11-67378887-C-T.
Other names: p.Gly309=; c.900C>T, p.Gly300= (NM_001166102.2).
Identifiers: ClinVar variation 1645771 (VCV001645771.10), dbSNP rs145999490, ClinGen allele CA6143339.